The following is an entry in ClinVar:

NM_177438.3(DICER1):c.1666C>A (p.Pro556Thr)

Gene: DICER1 (dicer 1, ribonuclease III; minus strand). Cytogenetic location: 14q32.13.
Variant type: single nucleotide variant.
Coding change: c.1666C>A on transcript NM_177438.3 (MANE Select); coding-DNA position 1666, C replaced by A.
Protein change: p.Pro556Thr; replaces proline 556 with threonine.
Molecular consequence: missense variant.
Genome position (GRCh38, 1-based): chr14:95,116,539, G>T on the plus strand (C>A on the coding strand, the complement: DICER1 is on the minus strand). VCF-style: chr14-95116539-G-T. GRCh37 (hg19) VCF-style: chr14-95582876-G-T.
Other names: c.1666C>A, p.Pro556Thr (NM_001195573.1, NM_001271282.3, NM_001291628.2 and 1 more transcripts); short protein forms P556T.
Identifiers: ClinVar variation 639186 (VCV000639186.10), dbSNP rs1595411068, ClinGen allele CA390884842.

ClinVar aggregate classification (germline): Uncertain significance (1 of 4 stars; one submission).

Conditions:
DICER1-related tumor predisposition. Also called: DICER1-related pleuropulmonary blastoma cancer predisposition syndrome; DICER1 syndrome. Identifiers: Orphanet 284343, MedGen C3839822, MONDO:0100216.

Submission:

Labcorp Genetics (formerly Invitae), Labcorp
Classification: Uncertain significance for DICER1-related tumor predisposition. Last evaluated: 2018-12-19. Review status: criteria provided, single submitter. Criteria: Invitae Variant Classification Sherloc (09022015). Collection method: clinical testing. Allele origin: germline.
Comment: This sequence change replaces proline with threonine at codon 556 of the DICER1 protein (p.Pro556Thr). The proline residue is highly conserved and there is a small physicochemical difference between proline and threonine. This variant is not present in population databases (ExAC no frequency). This variant has not been reported in the literature in individuals with DICER1-related conditions. Algorithms developed to predict the effect of missense changes on protein structure and function are either unavailable or do not agree on the potential impact of this missense change (SIFT: "Deleterious"; PolyPhen-2: "Probably Damaging"; Align-GVGD: "Class C0"). In summary, the available evidence is currently insufficient to determine the role of this variant in disease. Therefore, it has been classified as a Variant of Uncertain Significance.